The following is an entry in ClinVar:

NM_001792.5(CDH2):c.701A>G (p.His234Arg)

Gene: CDH2 (cadherin 2; minus strand). Cytogenetic location: 18q12.1.
Variant type: single nucleotide variant.
Coding change: c.701A>G on transcript NM_001792.5 (MANE Select); coding-DNA position 701, A replaced by G.
Protein change: p.His234Arg; replaces histidine 234 with arginine.
Molecular consequence: missense variant.
Genome position (GRCh38, 1-based): chr18:28,009,718, T>C on the plus strand (A>G on the coding strand, the complement: CDH2 is on the minus strand). VCF-style: chr18-28009718-T-C. GRCh37 (hg19) VCF-style: chr18-25589682-T-C.
Other names: c.608A>G, p.His203Arg (NM_001308176.2); short protein forms H203R, H234R.
Identifiers: ClinVar variation 1756706 (VCV001756706.3), dbSNP rs1413369773, ClinGen allele CA402243395.

ClinVar aggregate classification (germline): Uncertain significance. Review status: criteria provided, multiple submitters, no conflicts (2 of 4 stars). 2 submissions from 2 submitters: Uncertain significance (2). Last evaluated 2025-09-15.

Conditions:
Inborn genetic diseases. Identifiers: MedGen C0950123, MeSH D030342.

Allele frequency attached by ClinVar (database versions not stated): gnomAD exomes below 0.00001.
gnomAD v4.1: 2 of 1,613,518 alleles (0.00012%); highest among the groups gnomAD compares: Middle Eastern, 0.017%; no homozygotes.

Submissions (2):

Labcorp Genetics (formerly Invitae), Labcorp
Classification: Uncertain significance. Last evaluated: 2025-09-15. Review status: criteria provided, single submitter. Criteria: Invitae Variant Classification Sherloc (09022015). Collection method: clinical testing. Allele origin: germline.
Comment: This sequence change replaces histidine, which is basic and polar, with arginine, which is basic and polar, at codon 234 of the CDH2 protein (p.His234Arg). This variant is present in population databases (no rsID available, gnomAD 0.003%). This variant has not been reported in the literature in individuals affected with CDH2-related conditions. ClinVar contains an entry for this variant (Variation ID: 1756706). An algorithm developed to predict the effect of missense changes on protein structure and function (PolyPhen-2) suggests that this variant is likely to be disruptive. In summary, the available evidence is currently insufficient to determine the role of this variant in disease. Therefore, it has been classified as a Variant of Uncertain Significance.

Ambry Genetics
Classification: Uncertain significance for Inborn genetic diseases. Last evaluated: 2022-05-02. Review status: criteria provided, single submitter. Criteria: Ambry Variant Classification Scheme 2023. Collection method: clinical testing. Allele origin: germline.
Comment: The p.H234R variant (also known as c.701A>G), located in coding exon 5 of the CDH2 gene, results from an A to G substitution at nucleotide position 701. The histidine at codon 234 is replaced by arginine, an amino acid with highly similar properties. This amino acid position is conserved. In addition, the in silico prediction for this alteration is inconclusive. Since supporting evidence is limited at this time, the clinical significance of this alteration remains unclear.